The following is an entry in ClinVar:

ClinVar aggregate classification (germline): Uncertain significance (1 of 4 stars; one submission).

Submission:

GeneDx
Classification: Uncertain significance. Last evaluated: 2025-04-06. Review status: criteria provided, single submitter. Criteria: GeneDx Variant Classification Process June 2021. Collection method: clinical testing. Allele origin: germline. Affected: yes.
Comment: Not observed at significant frequency in large population cohorts (gnomAD); In silico analysis indicates that this missense variant does not alter protein structure/function; Has not been previously published as pathogenic or benign to our knowledge

NM_001037333.3(CYFIP2):c.1839G>C (p.Gln613His)

Gene: CYFIP2 (cytoplasmic FMR1 interacting protein 2; plus strand). Cytogenetic location: 5q33.3.
Variant type: single nucleotide variant.
Coding change: c.1839G>C on transcript NM_001037333.3 (MANE Select); coding-DNA position 1839, G replaced by C.
Protein change: p.Gln613His; replaces glutamine 613 with histidine.
Molecular consequence: missense variant.
Genome position (GRCh38, 1-based): chr5:157,325,495, G>C. VCF-style: chr5-157325495-G-C. GRCh37 (hg19) VCF-style: chr5-156752503-G-C.
Other names: c.1761G>C, p.Gln587His (NM_001291721.2); c.1914G>C, p.Gln638His (NM_001291722.2); c.1839G>C, p.Gln613His (NM_014376.4); short protein forms Q587H, Q613H, Q638H.
Identifiers: ClinVar variation 4281732 (VCV004281732.1).
Genomic context (GRCh38, chr5:157,325,495, plus strand): 5'-CTTTTAGTTCTAAAAGTAACCAAAGGCTCGTTCCCTTATGCTTTCAGAAGCCCTGCAGCA[G>C]TGTTGTGACCTCTCCCAGCTCTGGTTCCGAGAATTCTTCCTGGAGTTAACCATGGGCCGA-3'
Protein context (NP_001032410.1, residues 603-623): HLLNISEALQ[Gln613His]CCDLSQLWFR